The following is an entry in ClinVar:

ClinVar aggregate classification (germline): Uncertain significance. Review status: criteria provided, multiple submitters, no conflicts (2 of 4 stars). 2 submissions from 2 submitters: Uncertain significance (2). Last evaluated 2025-10-28.

Conditions:
Familial focal epilepsy with variable foci (FPEVF). Identifiers: Orphanet 98820, MedGen C1858477, MONDO:0020310.
Epilepsy, familial focal, with variable foci 1 (FFEVF1). Also called: DEPDC5-Related Epilepsy. Identifiers: MedGen C4551983, MONDO:0024556, OMIM 604364.

Allele frequency attached by ClinVar (database versions not stated): ExAC 0.00003; gnomAD 0.00003; TOPMed 0.00003; gnomAD exomes 0.00005; ESP Exome Variant Server 0.00008.
gnomAD v4.1: 84 of 1,613,812 alleles (0.0052%); highest among the groups gnomAD compares: South Asian, 0.0088%; no homozygotes.

Submissions (2):

Labcorp Genetics (formerly Invitae), Labcorp
Classification: Uncertain significance for Familial focal epilepsy with variable foci. Last evaluated: 2025-10-28. Review status: criteria provided, single submitter. Criteria: Invitae Variant Classification Sherloc (09022015). Collection method: clinical testing. Allele origin: germline.
Comment: This sequence change replaces arginine, which is basic and polar, with glutamine, which is neutral and polar, at codon 1527 of the DEPDC5 protein (p.Arg1527Gln). This variant is present in population databases (rs200552561, gnomAD 0.04%). This variant has not been reported in the literature in individuals affected with DEPDC5-related conditions. ClinVar contains an entry for this variant (Variation ID: 664132). Experimental studies and prediction algorithms are not available or were not evaluated, and the functional significance of this variant is currently unknown. In summary, the available evidence is currently insufficient to determine the role of this variant in disease. Therefore, it has been classified as a Variant of Uncertain Significance.

Fulgent Genetics
Classification: Uncertain significance for Epilepsy, familial focal, with variable foci 1. Last evaluated: 2021-08-26. Review status: criteria provided, single submitter. Criteria: ACMG Guidelines, 2015. Collection method: clinical testing. Allele origin: unknown.

NM_001242896.3(DEPDC5):c.4580G>A (p.Arg1527Gln)

Gene: DEPDC5 (DEP domain containing 5, GATOR1 subcomplex subunit; plus strand). Cytogenetic location: 22q12.3.
Variant type: single nucleotide variant.
Coding change: c.4580G>A on transcript NM_001242896.3 (MANE Select); coding-DNA position 4580, G replaced by A.
Protein change: p.Arg1527Gln; replaces arginine 1527 with glutamine.
Molecular consequence: missense variant. On other transcripts: non-coding transcript variant (5).
Genome position (GRCh38, 1-based): chr22:31,906,265, G>A. VCF-style: chr22-31906265-G-A. GRCh37 (hg19) VCF-style: chr22-32302251-G-A.
Other names: c.4553G>A, p.Arg1518Gln (NM_001136029.4); c.4280G>A, p.Arg1427Gln (NM_001242897.2); c.4514G>A, p.Arg1505Gln (NM_001363852.2, NM_001364320.2); c.4346G>A, p.Arg1449Gln (NM_001363854.2, NM_001364319.2); c.4580G>A, p.Arg1527Gln (NM_001364318.2); c.4496G>A, p.Arg1499Gln (NM_001369901.1, NM_001369902.1); c.4487G>A, p.Arg1496Gln (NM_001369903.1, NM_014662.6); short protein forms R1427Q, R1449Q, R1496Q, R1499Q, R1505Q, R1518Q, R1527Q.
Identifiers: ClinVar variation 664132 (VCV000664132.8), dbSNP rs200552561, ClinGen allele CA10197291.